The following is an entry in ClinVar:

NM_000535.7(PMS2):c.164-1G>T

Gene: PMS2 (PMS1 homolog 2, mismatch repair system component; minus strand). Cytogenetic location: 7p22.1.
Variant type: single nucleotide variant.
Coding change: c.164-1G>T on transcript NM_000535.7 (MANE Select); the canonical splice acceptor site of the intron before coding-DNA position 164, G replaced by T.
Molecular consequence: splice acceptor variant. On other transcripts: intron variant (1).
Genome position (GRCh38, 1-based): chr7:6,004,059, C>A on the plus strand (G>T on the coding strand, the complement: PMS2 is on the minus strand). VCF-style: chr7-6004059-C-A. GRCh37 (hg19) VCF-style: chr7-6043690-C-A.
Other names: c.-52-1G>T (NM_001322008.2, NM_001406902.1, NM_001406883.1 and 4 more transcripts); c.-218-1G>T (NM_001406881.1, NM_001406900.1); c.-189-1G>T (NM_001406895.1, NM_001406904.1, NM_001406889.1 and 6 more transcripts); c.-242-1G>T (NM_001406911.1, NM_001322010.2, NM_001322004.2 and 13 more transcripts); c.-321-1G>T (NM_001406879.1, NM_001322015.2, NM_001406878.1 and 3 more transcripts); c.-721-1G>T (NM_001322012.2, NM_001322011.2); c.-52-1423G>T (NM_001406896.1); c.164-1G>T (NM_001406885.1, NM_001406886.1, NM_001406884.1 and 10 more transcripts); and 3 more.
Identifiers: ClinVar variation 2674193 (VCV002674193.1), dbSNP rs763308607, ClinGen allele CA366744936.
Genomic context (GRCh38, chr7:6,004,059, plus strand): 5'-CCCCACATCCATTGTCTGAAACTTCAATAAGATCCACTCCATAGTCCTTAAGCTTTAGAT[C>A]TAGAAAGTTTAAAATATTTACATATTTATTAAAAACGGACCCATGCTATCAGTTTTTATA-3'

ClinVar aggregate classification (germline): Likely pathogenic (1 of 4 stars; one submission).

Conditions:
Lynch syndrome 4 (LYNCH4). Also called: Hereditary non-polyposis colorectal cancer, type 4; Colorectal cancer, hereditary nonpolyposis, type 4. Identifiers: Orphanet 144, MedGen C1838333, MONDO:0013699, OMIM 614337. Disease mechanism: loss of function.

gnomAD v4.1: 1 of 1,519,230 alleles (0.000066%); highest among the groups gnomAD compares: Non-Finnish European, 0.000091%; no homozygotes.

Submission:

Myriad Genetics, Inc.
Classification: Likely pathogenic for Lynch syndrome 4. Last evaluated: 2023-09-18. Review status: criteria provided, single submitter. Criteria: Myriad Autosomal Dominant, Autosomal Recessive and X-Linked Classification Criteria (2023). Collection method: clinical testing. Allele origin: unknown.
Comment: This variant is considered likely pathogenic. This variant occurs within a consensus splice junction and is predicted to result in abnormal mRNA splicing of either an out-of-frame exon or an in-frame exon necessary for protein stability and/or normal function.